The following is an entry in ClinVar:

NM_000507.4(FBP1):c.730C>T (p.Arg244Trp)

Gene: FBP1 (fructose-bisphosphatase 1; minus strand). Cytogenetic location: 9q22.32.
Variant type: single nucleotide variant.
Coding change: c.730C>T on transcript NM_000507.4 (MANE Select); coding-DNA position 730, C replaced by T.
Protein change: p.Arg244Trp; replaces arginine 244 with tryptophan.
Molecular consequence: missense variant.
Genome position (GRCh38, 1-based): chr9:94,605,552, G>A on the plus strand (C>T on the coding strand, the complement: FBP1 is on the minus strand). VCF-style: chr9-94605552-G-A. GRCh37 (hg19) VCF-style: chr9-97367834-G-A.
Other names: p.R244W:CGG>TGG; c.730C>T, p.Arg244Trp (NM_001127628.2); short protein forms R244W.
Identifiers: ClinVar variation 214367 (VCV000214367.20), dbSNP rs200679026, ClinGen allele CA322078.

ClinVar aggregate classification (germline): Conflicting classifications of pathogenicity. Review status: criteria provided, conflicting classifications (1 of 4 stars). 6 submissions from 6 submitters: Uncertain significance (2); Benign (1); Likely benign (1). 2 of the submissions do not count toward it. Last evaluated 2024-10-08.

Conditions:
FBP1-related disorder. Also called: FBP1-related condition.
Fructose-biphosphatase deficiency (FBP1D). Also called: Fructose 1,6 Bisphosphatase Deficiency; Fructose-1,6-Diphosphatase Deficiency; Fructose-1,6-Bisphosphatase 1 Deficiency. Identifiers: Orphanet 348, MedGen C0016756, MONDO:0009251, OMIM 229700.

Allele frequency attached by ClinVar (database versions not stated): ESP Exome Variant Server 0.00023; gnomAD 0.00026 and 0.00028; TOPMed 0.00034; ExAC 0.00035; gnomAD exomes 0.00048.
gnomAD v4.1: 378 of 1,613,658 alleles (0.023%); highest among the groups gnomAD compares: Admixed American, 0.005%; 1 homozygote.

Submissions (6):

Labcorp Genetics (formerly Invitae), Labcorp
Classification: Benign for Fructose-biphosphatase deficiency. Last evaluated: 2024-10-08. Review status: criteria provided, single submitter. Criteria: Invitae Variant Classification Sherloc (09022015). Collection method: clinical testing. Allele origin: germline.

Blueprint Genetics
Classification: Likely benign. Last evaluated: 2023-11-06. Review status: criteria provided, single submitter. Criteria: ACMG Guidelines, 2015. Collection method: clinical testing. Allele origin: germline.

GeneDx
Classification: Uncertain significance. Last evaluated: 2021-09-10. Review status: criteria provided, single submitter. Criteria: GeneDx Variant Classification Process June 2021. Collection method: clinical testing. Allele origin: germline. Affected: yes.
Comment: In silico analysis supports that this missense variant has a deleterious effect on protein structure/function; Has not been previously published as pathogenic or benign to our knowledge; This variant is associated with the following publications: (PMID: 30167848, 31589614)

Illumina Laboratory Services, Illumina
Classification: Uncertain significance for Fructose-biphosphatase deficiency. Last evaluated: 2018-01-13. Review status: criteria provided, single submitter. Criteria: ICSL Variant Classification Criteria 13 December 2019. Collection method: clinical testing. Allele origin: germline.

PreventionGenetics, part of Exact Sciences
Classification: Likely benign for FBP1-related condition. Last evaluated: 2021-05-28. Review status: no assertion criteria provided. Collection method: clinical testing. Allele origin: germline. Not counted in ClinVar's aggregate classification.
Comment: This variant is classified as likely benign based on ACMG/AMP sequence variant interpretation guidelines (Richards et al. 2015 PMID: 25741868, with internal and published modifications).

Reproductive Health Research and Development, BGI Genomics
Classification: Uncertain significance for Fructose-biphosphatase deficiency. Last evaluated: 2020-01-06. Review status: no assertion criteria provided. Collection method: curation. Allele origin: germline. Not counted in ClinVar's aggregate classification.
Comment: NM_000507.3:c.730C>T in the FBP1 gene has an allele frequency of 0.01 in Ashkenazi Jewish subpopulation in the gnomAD database including one homozygous occurrence. Pathogenic computational verdict because pathogenic predictions from DANN, DEOGEN2, EIGEN, FATHMM-MKL, M-CAP, MVP, MutationAssessor, MutationTaster, PrimateAI, REVEL and SIFT. Taken together, we interprete this variant as variant of uncertain significance (VUS). ACMG/AMP criteria applied: BS1, PP3.